The following is an entry in ClinVar:

ClinVar aggregate classification (germline): Uncertain significance. Review status: criteria provided, multiple submitters, no conflicts (2 of 4 stars). 3 submissions from 3 submitters: Uncertain significance (3). Last evaluated 2025-06-30.

Conditions:
Malignant hyperthermia, susceptibility to, 5 (MHS5). Also called: CACNA1S-Related Malignant Hyperthermia Susceptibility. Identifiers: Orphanet 423, MedGen C1866077, MONDO:0011163, OMIM 601887.
Hypokalemic periodic paralysis, type 1. Also called: Hypokalemic Periodic Paralysis Type 1 (AD); HypoPP. Identifiers: Orphanet 681, MedGen C3714580, MONDO:0042979, OMIM 170400.

Allele frequency attached by ClinVar (database versions not stated): TOPMed below 0.00001.
gnomAD v4.1: 14 of 1,614,186 alleles (0.00087%); highest among the groups gnomAD compares: South Asian, 0.0055%; no homozygotes.

Submissions (3):

Color Diagnostics, LLC DBA Color Health
Classification: Uncertain significance for Malignant hyperthermia, susceptibility to, 5. Last evaluated: 2025-06-30. Review status: criteria provided, single submitter. Criteria: ACMG Guidelines, 2015. Collection method: clinical testing. Allele origin: germline.
Comment: This variant changes 1 nucleotide in exon 44 of the CACNA1S gene, creating a premature translation stop signal in the last coding exon. The mutant transcript is expected to escape nonsense-mediated decay and be expressed as a truncated protein product. To our knowledge, functional studies have not been reported for this variant. To our knowledge, this variant has not been reported in individuals affected with CACNA1S-related disorders in the literature. This variant has been identified in 3/250224 chromosomes in the general population by the Genome Aggregation Database (gnomAD). The available evidence is insufficient to determine the role of this variant in disease conclusively. Therefore, this variant is classified as a Variant of Uncertain Significance.

Labcorp Genetics (formerly Invitae), Labcorp
Classification: Uncertain significance for Hypokalemic periodic paralysis, type 1; Malignant hyperthermia, susceptibility to, 5. Last evaluated: 2024-01-13. Review status: criteria provided, single submitter. Criteria: Invitae Variant Classification Sherloc (09022015). Collection method: clinical testing. Allele origin: germline.
Comment: This sequence change creates a premature translational stop signal (p.Arg1794*) in the CACNA1S gene. While this is not anticipated to result in nonsense mediated decay, it is expected to disrupt the last 80 amino acid(s) of the CACNA1S protein. This variant is present in population databases (rs775764917, gnomAD 0.006%). This variant has not been reported in the literature in individuals affected with CACNA1S-related conditions. Experimental studies and prediction algorithms are not available or were not evaluated, and the functional significance of this variant is currently unknown. In summary, the available evidence is currently insufficient to determine the role of this variant in disease. Therefore, it has been classified as a Variant of Uncertain Significance.

All of Us Research Program, National Institutes of Health
Classification: Uncertain significance for Malignant hyperthermia, susceptibility to, 5. Last evaluated: 2023-06-26. Review status: criteria provided, single submitter. Criteria: ACMG Guidelines, 2015. Collection method: clinical testing. Allele origin: germline. Inheritance: Autosomal dominant inheritance. Observed: 2 variant alleles, 2 heterozygotes.
Comment: This variant changes 1 nucleotide in exon 44 of the CACNA1S gene, creating a premature translation stop signal in the last coding exon. The mutant transcript is expected to escape nonsense-mediated decay and be expressed as a truncated protein product. To our knowledge, functional studies have not been reported for this variant. To our knowledge, this variant has not been reported in individuals affected with CACNA1S-related disorders in the literature. This variant has been identified in 3/250224 chromosomes in the general population by the Genome Aggregation Database (gnomAD). The available evidence is insufficient to determine the role of this variant in disease conclusively. Therefore, this variant is classified as a Variant of Uncertain Significance.

This study involves interpretation of variants in research participants for the purpose of population health screening. Participant phenotype was not available at the time of variant classification. Additional details can be found in publication PMID: 35346344, PMCID: PMC8962531

NM_000069.3(CACNA1S):c.5380C>T (p.Arg1794Ter)

Gene: CACNA1S (calcium voltage-gated channel subunit alpha1 S; minus strand). Cytogenetic location: 1q32.1.
Variant type: single nucleotide variant.
Coding change: c.5380C>T on transcript NM_000069.3 (MANE Select); coding-DNA position 5380, C replaced by T.
Protein change: p.Arg1794Ter; replaces arginine 1794 with a stop codon.
Molecular consequence: nonsense.
Genome position (GRCh38, 1-based): chr1:201,040,073, G>A on the plus strand (C>T on the coding strand, the complement: CACNA1S is on the minus strand). VCF-style: chr1-201040073-G-A. GRCh37 (hg19) VCF-style: chr1-201009201-G-A.
Other names: short protein forms R1794*.
Identifiers: ClinVar variation 2931285 (VCV002931285.5), dbSNP rs775764917, ClinGen allele CA083841.